The following is an entry in ClinVar:

NM_018718.3(CEP41):c.*593G>A

Gene: CEP41 (centrosomal protein 41; minus strand). Cytogenetic location: 7q32.2.
Variant type: single nucleotide variant.
Coding change: c.*593G>A on transcript NM_018718.3 (MANE Select); 593 bases downstream of the stop codon, G replaced by A.
Molecular consequence: 3 prime UTR variant. On other transcripts: non-coding transcript variant (1).
Genome position (GRCh38, 1-based): chr7:130,398,298, C>T on the plus strand (G>A on the coding strand, the complement: CEP41 is on the minus strand). VCF-style: chr7-130398298-C-T. GRCh37 (hg19) VCF-style: chr7-130038139-C-T.
Other names: c.*593G>A (NM_001257158.2, NM_001257159.2).
Identifiers: ClinVar variation 358935 (VCV000358935.29), dbSNP rs186685101, ClinGen allele CA4485310.

ClinVar aggregate classification (germline): Conflicting classifications of pathogenicity. Review status: criteria provided, conflicting classifications (1 of 4 stars). 2 submissions from 2 submitters: Uncertain significance (1); Likely benign (1). Last evaluated 2023-01-01.

Conditions:
Joubert syndrome 15 (JBTS15). Identifiers: Orphanet 475, MedGen C3280897, MONDO:0013763, OMIM 614464.

Allele frequency attached by ClinVar (database versions not stated): TOPMed 0.00349; gnomAD exomes 0.00381 and 0.00314; 1000 Genomes Project 30x 0.00078; 1000 Genomes Project 0.00080; ExAC 0.00158; gnomAD 0.00290.

Submissions (2):

CeGaT Center for Human Genetics Tuebingen
Classification: Likely benign. Last evaluated: 2023-01-01. Review status: criteria provided, single submitter. Criteria: CeGaT Center For Human Genetics Tuebingen Variant Classification Criteria Version 2. Collection method: clinical testing. Allele origin: germline. Affected: yes. Observed: 3 variant alleles.
Comment: CEP41: BS2

Illumina Laboratory Services, Illumina
Classification: Uncertain significance for Joubert syndrome 15. Last evaluated: 2018-01-12. Review status: criteria provided, single submitter. Criteria: ICSL Variant Classification Criteria 13 December 2019. Collection method: clinical testing. Allele origin: germline.